The following is an entry in ClinVar:

ClinVar aggregate classification (germline): Pathogenic (1 of 4 stars; one submission).

Conditions:
Nemaline myopathy 2 (NEM2). Also called: Nemaline myopathy 2, autosomal recessive. Identifiers: MedGen C1850569, MONDO:0009725, OMIM 256030.

Submission:

Labcorp Genetics (formerly Invitae), Labcorp
Classification: Pathogenic for Nemaline myopathy 2. Last evaluated: 2021-11-29. Review status: criteria provided, single submitter. Criteria: Invitae Variant Classification Sherloc (09022015). Collection method: clinical testing. Allele origin: germline.
Comment: For these reasons, this variant has been classified as Pathogenic. This variant has not been reported in the literature in individuals affected with NEB-related conditions. This variant is not present in population databases (gnomAD no frequency). This sequence change creates a premature translational stop signal (p.Lys1134Valfs*8) in the NEB gene. It is expected to result in an absent or disrupted protein product. Loss-of-function variants in NEB are known to be pathogenic (PMID: 25205138).

Literature cited by the submitters: PubMed 25205138.

NM_001164508.2(NEB):c.3400_3401del (p.Lys1134fs)

Gene: NEB (nebulin; minus strand). Cytogenetic location: 2q23.3.
Variant type: Deletion.
Coding change: c.3400_3401del on transcript NM_001164508.2 (MANE Select); coding-DNA positions 3400 to 3401, 2 bases deleted (AA; older notation c.3400_3401delAA).
Protein change: p.Lys1134fs; shifts the reading frame from lysine 1134.
Molecular consequence: frameshift variant.
Genome position (GRCh38, 1-based): chr2:151,678,042-151,678,043, TT deleted on the plus strand (AA on the coding strand, the reverse complement: NEB is on the minus strand); deleting any 2 consecutive bases within chr2:151,678,042-151,678,044 gives the same sequence; the c. name uses the placement nearest the transcript's 3' end. VCF-style (leftmost placement, unchanged base first): chr2-151678041-CTT-C. GRCh37 (hg19) VCF-style: chr2-152534555-CTT-C.
Other names: c.3400_3401del, p.Lys1134fs (NM_001164507.2, NM_001271208.2, NM_004543.5); short protein forms K1134fs.
Identifiers: ClinVar variation 1455138 (VCV001455138.6), dbSNP rs2148495720, ClinGen allele CA2573133250.